The following is an entry in ClinVar:

ClinVar aggregate classification (germline): Conflicting classifications of pathogenicity. Review status: criteria provided, conflicting classifications (1 of 4 stars). 4 submissions from 4 submitters: Likely pathogenic (1); Uncertain significance (3). Last evaluated 2025-01-12.

Conditions:
RET-related disorder. Also called: RET-related condition; RET-related disease; RET-related disorders.
Hereditary cancer-predisposing syndrome. Also called: Hereditary neoplastic syndrome; Tumor predisposition; Hereditary Cancer Syndrome; Neoplastic Syndromes, Hereditary. Identifiers: Orphanet 140162, MedGen C0027672, MeSH D009386, MONDO:0015356.
Multiple endocrine neoplasia, type 2 (MEN2). Identifiers: Orphanet 653, MedGen C4048306, MONDO:0019003. Disease mechanism: gain of function.

Submissions (4):

Labcorp Genetics (formerly Invitae), Labcorp
Classification: Uncertain significance for Multiple endocrine neoplasia, type 2. Last evaluated: 2025-01-12. Review status: criteria provided, single submitter. Criteria: Invitae Variant Classification Sherloc (09022015). Collection method: clinical testing. Allele origin: germline.
Comment: This sequence change replaces cysteine, which is neutral and slightly polar, with arginine, which is basic and polar, at codon 531 of the RET protein (p.Cys531Arg). This variant is not present in population databases (gnomAD no frequency). This missense change has been observed in individual(s) with clinical features of multiple endocrine neoplasia type 2 (PMID: 20103606, 27838608, 28946813, 30877234). It has also been observed to segregate with disease in related individuals. ClinVar contains an entry for this variant (Variation ID: 24885). An algorithm developed specifically for the RET gene suggests that this missense change is likely to be deleterious (PMID: 21479187). Experimental studies have shown that this missense change affects RET function (PMID: 20103606). In summary, the available evidence is currently insufficient to determine the role of this variant in disease. Therefore, it has been classified as a Variant of Uncertain Significance.

Ambry Genetics
Classification: Uncertain significance for Hereditary cancer-predisposing syndrome. Last evaluated: 2024-12-09. Review status: criteria provided, single submitter. Criteria: Ambry Variant Classification Scheme 2023. Collection method: clinical testing. Allele origin: germline.
Comment: The p.C531R variant (also known as c.1591T>C), located in coding exon 8 of the RET gene, results from a T to C substitution at nucleotide position 1591. The cysteine at codon 531 is replaced by arginine, an amino acid with highly dissimilar properties. This variant was also detected in two affected sisters. This variant has also been reported in a cohort of 5109 index cases of endocrine neoplasia from France (Lebeault M et al. Thyroid, 2017 12;27:1511-1522). This amino acid position is well conserved in available vertebrate species. In addition, this alteration is predicted to be deleterious by in silico analysis. Based on the available evidence, the clinical significance of this variant remains unclear.

PreventionGenetics, part of Exact Sciences
Classification: Uncertain significance for RET-related condition. Last evaluated: 2024-10-12. Review status: criteria provided, single submitter. Criteria: ACMG Guidelines, 2015. Collection method: clinical testing. Allele origin: germline.
Comment: The RET c.1591T>C variant is predicted to result in the amino acid substitution p.Cys531Arg. This variant was reported in individuals with clinical features consistent with multiple endocrine neoplasia type 2, and has been found to segregate with disease in families (Muzza et al. 2010. PubMed ID: 20103606; Martins et al. 2016. PubMed ID: 27838608; Ben Aim et al. 2019. PubMed ID: 30877234). This variant has not been reported in a large population database (gnomAD), indicating this variant is rare. At this time, the clinical significance of this variant is uncertain due to the absence of conclusive functional and genetic evidence.

GeneDx
Classification: Likely pathogenic. Last evaluated: 2023-05-03. Review status: criteria provided, single submitter. Criteria: GeneDx Variant Classification Process June 2021. Collection method: clinical testing. Allele origin: germline. Affected: yes.
Comment: Published functional studies demonstrate a moderate increase in phosphorylation and transforming activity (Muzza et al., 2010); Not observed at significant frequency in large population cohorts (gnomAD); In silico analysis supports that this missense variant has a deleterious effect on protein structure/function; This variant is associated with the following publications: (PMID: 25725622, 20103606, 30877234, 21479187, 28946813, 27838608, 14633923)

Literature cited by the submitters: PubMed 20103606 (cited by Labcorp Genetics (formerly Invitae), Labcorp and Ambry Genetics); PubMed 27838608 (cited by Labcorp Genetics (formerly Invitae), Labcorp and Ambry Genetics); PubMed 28946813 (cited by Labcorp Genetics (formerly Invitae), Labcorp and Ambry Genetics); PubMed 30877234 (cited by Labcorp Genetics (formerly Invitae), Labcorp); PubMed 21479187 (cited by Labcorp Genetics (formerly Invitae), Labcorp).

NM_020975.6(RET):c.1591T>C (p.Cys531Arg)

Gene: RET (ret proto-oncogene; plus strand). Cytogenetic location: 10q11.21.
Variant type: single nucleotide variant.
Coding change: c.1591T>C on transcript NM_020975.6 (MANE Select); coding-DNA position 1591, T replaced by C.
Protein change: p.Cys531Arg; replaces cysteine 531 with arginine.
Molecular consequence: missense variant.
Genome position (GRCh38, 1-based): chr10:43,112,167, T>C. VCF-style: chr10-43112167-T-C. GRCh37 (hg19) VCF-style: chr10-43607615-T-C.
Other names: c.1591T>C, p.Cys531Arg (NM_000323.2, NM_001406743.1, NM_001406744.1 and 6 more transcripts); c.829T>C, p.Cys277Arg (NM_001355216.2); c.1462T>C, p.Cys488Arg (NM_001406761.1, NM_001406762.1, NM_001406764.1 and 1 more transcripts); c.1303T>C, p.Cys435Arg (NM_001406766.1, NM_001406767.1, NM_001406770.1); c.1195T>C, p.Cys399Arg (NM_001406769.1, NM_001406772.1); c.1153T>C, p.Cys385Arg (NM_001406771.1, NM_001406773.1); c.565T>C, p.Cys189Arg (NM_001406783.1, NM_001406786.1); c.601T>C, p.Cys201Arg (NM_001406784.1); and 5 more; short protein forms C277R, C232R, C289R, C189R, C201R, C356R, C399R, C48R.
Identifiers: ClinVar variation 24885 (VCV000024885.15), dbSNP rs377767390, ClinGen allele CA007653.